The following is an entry in ClinVar:

NM_000051.4(ATM):c.5631C>G (p.Phe1877Leu)

Gene: ATM (ATM serine/threonine kinase; plus strand). Cytogenetic location: 11q22.3.
Variant type: single nucleotide variant.
Coding change: c.5631C>G on transcript NM_000051.4 (MANE Select); coding-DNA position 5631, C replaced by G.
Protein change: p.Phe1877Leu; replaces phenylalanine 1877 with leucine.
Molecular consequence: missense variant.
Genome position (GRCh38, 1-based): chr11:108,304,809, C>G. VCF-style: chr11-108304809-C-G. GRCh37 (hg19) VCF-style: chr11-108175536-C-G.
Other names: c.5631C>G, p.Phe1877Leu (NM_001351834.2); short protein forms F1877L.
Identifiers: ClinVar variation 236742 (VCV000236742.15), dbSNP rs751327903, ClinGen allele CA10582833.

ClinVar aggregate classification (germline): Conflicting classifications of pathogenicity. Review status: criteria provided, conflicting classifications (1 of 4 stars). 4 submissions from 4 submitters: Uncertain significance (2); Likely benign (1). 1 of the submissions does not count toward it. Last evaluated 2025-08-17.

Conditions:
Hereditary cancer-predisposing syndrome. Also called: Tumor predisposition; Hereditary Cancer Syndrome; Hereditary neoplastic syndrome; Neoplastic Syndromes, Hereditary. Identifiers: Orphanet 140162, MedGen C0027672, MeSH D009386, MONDO:0015356.
Ataxia-telangiectasia syndrome (AT). Also called: Ataxia telangiectasia (A-T); LOUIS-BAR SYNDROME; Cerebello-oculocutaneous telangiectasia; Immunodeficiency with ataxia telangiectasia; ATAXIA-TELANGIECTASIA, COMPLEMENTATION GROUP A; ATAXIA-TELANGIECTASIA, FRESNO VARIANT. Identifiers: Orphanet 100, MedGen C0004135, MONDO:0008840, OMIM 208900.

Allele frequency attached by ClinVar (database versions not stated): TOPMed below 0.00001; gnomAD 0.00001.
gnomAD v4.1: 3 of 1,613,210 alleles (0.00019%); highest among the groups gnomAD compares: African/African-American, 0.004%; no homozygotes.

Submissions (4):

Labcorp Genetics (formerly Invitae), Labcorp
Classification: Uncertain significance for Ataxia-telangiectasia syndrome. Last evaluated: 2025-08-17. Review status: criteria provided, single submitter. Criteria: Invitae Variant Classification Sherloc (09022015). Collection method: clinical testing. Allele origin: germline.
Comment: This sequence change replaces phenylalanine, which is neutral and non-polar, with leucine, which is neutral and non-polar, at codon 1877 of the ATM protein (p.Phe1877Leu). This variant is not present in population databases (gnomAD no frequency). This variant has not been reported in the literature in individuals affected with ATM-related conditions. ClinVar contains an entry for this variant (Variation ID: 236742). Invitae Evidence Modeling of protein sequence and biophysical properties (such as structural, functional, and spatial information, amino acid conservation, physicochemical variation, residue mobility, and thermodynamic stability) indicates that this missense variant is not expected to disrupt ATM protein function with a negative predictive value of 95%. In summary, the available evidence is currently insufficient to determine the role of this variant in disease. Therefore, it has been classified as a Variant of Uncertain Significance.

Ambry Genetics
Classification: Likely benign for Hereditary cancer-predisposing syndrome. Last evaluated: 2025-04-25. Review status: criteria provided, single submitter. Criteria: Ambry Variant Classification Scheme 2023. Collection method: clinical testing. Allele origin: germline.

GeneDx
Classification: Uncertain significance. Last evaluated: 2022-03-09. Review status: criteria provided, single submitter. Criteria: GeneDx Variant Classification Process June 2021. Collection method: clinical testing. Allele origin: germline. Affected: yes.
Comment: Not observed at significant frequency in large population cohorts (gnomAD); In silico analysis supports that this missense variant does not alter protein structure/function; Not observed in any breast cancer cases, but was observed in an unaffected control (Momozawa 2018); This variant is associated with the following publications: (PMID: 30287823)

Natera, Inc.
Classification: Uncertain significance for Ataxia-telangiectasia. Last evaluated: 2021-09-28. Review status: no assertion criteria provided. Collection method: clinical testing. Allele origin: germline. Not counted in ClinVar's aggregate classification.